The following is an entry in ClinVar:

ClinVar aggregate classification (germline): Uncertain significance (1 of 4 stars; one submission).

Conditions:
Familial cancer of breast. Also called: Hereditary breast cancer; BREAST CANCER, FAMILIAL; hereditary breast carcinoma. Identifiers: Orphanet 227535, MedGen C0346153, MONDO:0016419, OMIM 114480. Disease mechanism: loss of function.

Submission:

Labcorp Genetics (formerly Invitae), Labcorp
Classification: Uncertain significance for Familial cancer of breast. Last evaluated: 2024-09-14. Review status: criteria provided, single submitter. Criteria: Invitae Variant Classification Sherloc (09022015). Collection method: clinical testing. Allele origin: germline.
Comment: This sequence change replaces aspartic acid, which is acidic and polar, with glutamic acid, which is acidic and polar, at codon 673 of the BARD1 protein (p.Asp673Glu). This variant is not present in population databases (gnomAD no frequency). This variant has not been reported in the literature in individuals affected with BARD1-related conditions. An algorithm developed to predict the effect of missense changes on protein structure and function (PolyPhen-2) suggests that this variant is likely to be disruptive. In summary, the available evidence is currently insufficient to determine the role of this variant in disease. Therefore, it has been classified as a Variant of Uncertain Significance.

NM_000465.4(BARD1):c.2019T>A (p.Asp673Glu)

Gene: BARD1 (BRCA1 associated RING domain 1; minus strand). Cytogenetic location: 2q35.
Variant type: single nucleotide variant.
Coding change: c.2019T>A on transcript NM_000465.4 (MANE Select); coding-DNA position 2019, T replaced by A.
Protein change: p.Asp673Glu; replaces aspartic acid 673 with glutamic acid.
Molecular consequence: missense variant. On other transcripts: non-coding transcript variant (3).
Genome position (GRCh38, 1-based): chr2:214,728,991, A>T on the plus strand (T>A on the coding strand, the complement: BARD1 is on the minus strand). VCF-style: chr2-214728991-A-T. GRCh37 (hg19) VCF-style: chr2-215593715-A-T.
Other names: c.1962T>A, p.Asp654Glu (NM_001282543.2); c.666T>A, p.Asp222Glu (NM_001282545.2); c.609T>A, p.Asp203Glu (NM_001282548.2); c.480T>A, p.Asp160Glu (NM_001282549.2); short protein forms D222E, D654E, D160E, D203E, D673E.
Identifiers: ClinVar variation 3705215 (VCV003705215.2).
Genomic context (GRCh38, chr2:214,728,991, plus strand): 5'-CTTAATAAGGTTGTCCTTTGGATGGTGTTTGAAGGTTCCCCACAAATAGAAGTAGCATCC[A>T]TCAAACAGCTTTGGCAACTGAAATAATGAGAAAACATTTGTTAAAGGCAGATCAAAATAC-3'
Protein context (NP_000456.2, residues 663-683): NREQLLPKLF[Asp673Glu]GCYFYLWGTF